The following is an entry in ClinVar:

ClinVar aggregate classification (germline): Uncertain significance (1 of 4 stars; one submission).

Conditions:
Pyridoxal phosphate-responsive seizures (PNPOD). Also called: SEIZURES, PYRIDOXINE-RESISTANT, PLP-SENSITIVE; Pyridoxamine 5-Prime-Phosphate Oxidase Deficiency; EPILEPTIC ENCEPHALOPATHY, NEONATAL, PNPO-RELATED; Pyridoxal 5'-Phosphate (PLP)-Dependent Epilepsy; Pyridoxine-5'-phosphate oxidase deficiency. Identifiers: Orphanet 79096, MedGen C1864723, MONDO:0012407, OMIM 610090. Disease mechanism: loss of function.

gnomAD v4.1: 2 of 1,614,084 alleles (0.00012%); highest among the groups gnomAD compares: Non-Finnish European, 0.00017%; no homozygotes.

Submission:

Labcorp Genetics (formerly Invitae), Labcorp
Classification: Uncertain significance for Pyridoxal phosphate-responsive seizures. Last evaluated: 2023-12-11. Review status: criteria provided, single submitter. Criteria: Invitae Variant Classification Sherloc (09022015). Collection method: clinical testing. Allele origin: germline.
Comment: This sequence change replaces valine, which is neutral and non-polar, with leucine, which is neutral and non-polar, at codon 210 of the PNPO protein (p.Val210Leu). This variant is not present in population databases (gnomAD no frequency). This variant has not been reported in the literature in individuals affected with PNPO-related conditions. ClinVar contains an entry for this variant (Variation ID: 1934293). Advanced modeling of protein sequence and biophysical properties (such as structural, functional, and spatial information, amino acid conservation, physicochemical variation, residue mobility, and thermodynamic stability) performed at Invitae indicates that this missense variant is not expected to disrupt PNPO protein function with a negative predictive value of 80%. In summary, the available evidence is currently insufficient to determine the role of this variant in disease. Therefore, it has been classified as a Variant of Uncertain Significance.

NM_018129.4(PNPO):c.628G>C (p.Val210Leu)

Gene: PNPO (pyridoxamine 5'-phosphate oxidase; plus strand). Cytogenetic location: 17q21.32.
Variant type: single nucleotide variant.
Coding change: c.628G>C on transcript NM_018129.4 (MANE Select); coding-DNA position 628, G replaced by C.
Protein change: p.Val210Leu; replaces valine 210 with leucine.
Molecular consequence: missense variant.
Genome position (GRCh38, 1-based): chr17:47,946,624, G>C. VCF-style: chr17-47946624-G-C. GRCh37 (hg19) VCF-style: chr17-46023990-G-C.
Other names: short protein forms V210L.
Identifiers: ClinVar variation 1934293 (VCV001934293.4), dbSNP rs146339491, ClinGen allele CA291297080.